The following is an entry in ClinVar:

NM_000553.6(WRN):c.676A>C (p.Asn226His)

Gene: WRN (WRN RecQ like helicase; plus strand). Cytogenetic location: 8p12.
Variant type: single nucleotide variant.
Coding change: c.676A>C on transcript NM_000553.6 (MANE Select); coding-DNA position 676, A replaced by C.
Protein change: p.Asn226His; replaces asparagine 226 with histidine.
Molecular consequence: missense variant.
Genome position (GRCh38, 1-based): chr8:31,068,279, A>C. VCF-style: chr8-31068279-A-C. GRCh37 (hg19) VCF-style: chr8-30925795-A-C.
Other names: short protein forms N226H.
Identifiers: ClinVar variation 968642 (VCV000968642.6), dbSNP rs143088402, ClinGen allele CA174849217.
Genomic context (GRCh38, chr8:31,068,279, plus strand): 5'-TCTTTAGCATACTTTTTAAATTTTTCTGTTTTTTTATAGGCTGGTTTTATTATTTACCGA[A>C]ATTTAGAGATTTTGGATGATACTGTGCAAAGGTTTGCTATAAATAAAGGTATGTTAAGAT-3'
Protein context (NP_000544.2, residues 216-236): DAYAGFIIYR[Asn226His]LEILDDTVQR

ClinVar aggregate classification (germline): Uncertain significance (1 of 4 stars; one submission).

Conditions:
Werner syndrome (WRN). Identifiers: Orphanet 902, MedGen C0043119, MONDO:0010196, OMIM 277700.

Allele frequency attached by ClinVar (database versions not stated): gnomAD exomes below 0.00001 and 0.00001; TOPMed below 0.00001; gnomAD 0.00001; ESP Exome Variant Server 0.00008.
gnomAD v4.1: 3 of 1,608,410 alleles (0.00019%); highest among the groups gnomAD compares: Non-Finnish European, 0.00026%; no homozygotes.

Submission:

Labcorp Genetics (formerly Invitae), Labcorp
Classification: Uncertain significance for Werner syndrome. Last evaluated: 2024-07-29. Review status: criteria provided, single submitter. Criteria: Invitae Variant Classification Sherloc (09022015). Collection method: clinical testing. Allele origin: germline.
Comment: This sequence change replaces asparagine, which is neutral and polar, with histidine, which is basic and polar, at codon 226 of the WRN protein (p.Asn226His). This variant is present in population databases (rs143088402, gnomAD 0.0009%). This variant has not been reported in the literature in individuals affected with WRN-related conditions. ClinVar contains an entry for this variant (Variation ID: 968642). An algorithm developed to predict the effect of missense changes on protein structure and function (PolyPhen-2) suggests that this variant is likely to be tolerated. In summary, the available evidence is currently insufficient to determine the role of this variant in disease. Therefore, it has been classified as a Variant of Uncertain Significance.